The following is an entry in ClinVar:

NM_001001331.4(ATP2B2):c.3420+2048G>A

Gene: ATP2B2 (ATPase plasma membrane Ca2+ transporting 2; minus strand). Cytogenetic location: 3p25.3.
Variant type: single nucleotide variant.
Coding change: c.3420+2048G>A on transcript NM_001001331.4 (MANE Select); 2048 bases into the intron after coding-DNA position 3420, G replaced by A.
Molecular consequence: intron variant. On other transcripts: splice donor variant (2).
Genome position (GRCh38, 1-based): chr3:10,336,128, C>T on the plus strand (G>A on the coding strand, the complement: ATP2B2 is on the minus strand). VCF-style: chr3-10336128-C-T. GRCh37 (hg19) VCF-style: chr3-10377812-C-T.
Other names: c.3285+2048G>A (NM_001353564.1, NM_001683.5); c.3457+1G>A (NM_001330611.3, NM_001363862.1).
Identifiers: ClinVar variation 3056849 (VCV003056849.2), dbSNP rs2470086904, ClinGen allele CA2664421784.

ClinVar aggregate classification (germline): Uncertain significance (0 of 4 stars; one submission).

Conditions:
ATP2B2-related disorder. Also called: ATP2B2-related condition.

Allele frequency attached by ClinVar (database versions not stated): gnomAD exomes below 0.00001.
gnomAD v4.1: 6 of 1,550,394 alleles (0.00039%); highest among the groups gnomAD compares: East Asian, 0.0024%; no homozygotes.

Submission:

PreventionGenetics, part of Exact Sciences
Classification: Uncertain significance for ATP2B2-related condition. Last evaluated: 2023-12-27. Review status: no assertion criteria provided. Collection method: clinical testing. Allele origin: germline.
Comment: The ATP2B2 c.3457+1G>A variant is predicted to disrupt the GT donor site and interfere with normal splicing. Of note, this variant can also be referred to as c.3285+2048G>A (deep intronic) with the two more commonly reported isoforms, NM_001683 and NM_001001331. To our knowledge, this variant has not been reported in the literature or in a large population database, indicating this variant is rare. At this time, the clinical significance of this variant is uncertain due to the absence of conclusive functional and genetic evidence.